The following is an entry in ClinVar:

ClinVar aggregate classification (germline): Pathogenic. Review status: criteria provided, multiple submitters, no conflicts (2 of 4 stars). 2 submissions from 2 submitters: Pathogenic (2). Last evaluated 2026-09-28.

Conditions:
Neurofibromatosis, type 1 (NF1). Also called: VON RECKLINGHAUSEN DISEASE; Peripheral type neurofibromatosis; NEUROFIBROMATOSIS, TYPE I, SOMATIC; Neurofibromatosis, type I. Identifiers: Orphanet 636, MedGen C0027831, MONDO:0018975, OMIM 162200. Disease mechanism: loss of function.

Submissions (2):

Myriad Genetics, Inc.
Classification: Pathogenic for Neurofibromatosis, type 1. Last evaluated: 2026-09-28. Review status: criteria provided, single submitter. Criteria: Myriad Autosomal Dominant, Autosomal Recessive and X-Linked Classification Criteria (2023). Collection method: clinical testing. Allele origin: unknown.
Comment: This variant is considered pathogenic. This variant creates a frameshift predicted to result in premature protein truncation.

MGZ Medical Genetics Center
Classification: Pathogenic for Neurofibromatosis, type 1. Last evaluated: 2022-08-02. Review status: criteria provided, single submitter. Criteria: ACMG Guidelines, 2015. Collection method: clinical testing. Allele origin: germline. Affected: yes. Observed: 1 variant allele.
Comment: ACMG criteria applied: PVS1, PM2_SUP, PP4

NM_001042492.3(NF1):c.5693del (p.Leu1898fs)

Gene: NF1 (neurofibromin 1; plus strand). Cytogenetic location: 17q11.2.
Variant type: Deletion.
Coding change: c.5693del on transcript NM_001042492.3 (MANE Select); coding-DNA position 5693, one base deleted (T; older notation c.5693delT).
Protein change: p.Leu1898fs; shifts the reading frame from leucine 1898.
Molecular consequence: frameshift variant.
Genome position (GRCh38, 1-based): chr17:31,330,379, T deleted; the last of 3 consecutive T bases (chr17:31,330,377-31,330,379); deleting any one gives the same sequence. VCF-style (leftmost placement, unchanged base first): chr17-31330376-GT-G. GRCh37 (hg19) VCF-style: chr17-29657394-GT-G.
Other names: c.5630delT, p.Leu1877Tyrfs (NM_000267.4); short protein forms L1877fs, L1898fs.
Identifiers: ClinVar variation 1709719 (VCV001709719.3), dbSNP rs2508718446, ClinGen allele CA2580093375.